The following is an entry in ClinVar:

ClinVar aggregate classification (germline): Uncertain significance (1 of 4 stars; one submission).

Conditions:
Progressive myoclonic epilepsy type 3. Also called: KCTD7-Related Progressive Myoclonic Epilepsy; EPILEPSY, PROGRESSIVE MYOCLONIC, 3, WITH OR WITHOUT INTRACELLULAR INCLUSIONS; CEROID LIPOFUSCINOSIS, NEURONAL, 14; EPILEPSY, PROGRESSIVE MYOCLONIC, 3, WITHOUT INTRACELLULAR INCLUSIONS. Identifiers: Orphanet 263516, MedGen C2673257, MONDO:0012721, OMIM 611726.

Allele frequency attached by ClinVar (database versions not stated): TOPMed below 0.00001; gnomAD 0.00001; gnomAD exomes 0.00001; ExAC 0.00002.
gnomAD v4.1: 19 of 1,613,928 alleles (0.0012%); highest among the groups gnomAD compares: Non-Finnish European, 0.0014%; no homozygotes.

Submission:

Labcorp Genetics (formerly Invitae), Labcorp
Classification: Uncertain significance for Progressive myoclonic epilepsy type 3. Last evaluated: 2022-04-28. Review status: criteria provided, single submitter. Criteria: Invitae Variant Classification Sherloc (09022015). Collection method: clinical testing. Allele origin: germline.
Comment: This sequence change replaces arginine, which is basic and polar, with glutamine, which is neutral and polar, at codon 181 of the KCTD7 protein (p.Arg181Gln). This variant is present in population databases (rs754654827, gnomAD 0.002%). This variant has not been reported in the literature in individuals affected with KCTD7-related conditions. Algorithms developed to predict the effect of missense changes on protein structure and function (SIFT, PolyPhen-2, Align-GVGD) all suggest that this variant is likely to be tolerated. Algorithms developed to predict the effect of sequence changes on RNA splicing suggest that this variant may create or strengthen a splice site. In summary, the available evidence is currently insufficient to determine the role of this variant in disease. Therefore, it has been classified as a Variant of Uncertain Significance.

NM_153033.5(KCTD7):c.542G>A (p.Arg181Gln)

Gene: KCTD7 (potassium channel tetramerization domain containing 7; plus strand). Cytogenetic location: 7q11.21.
Variant type: single nucleotide variant.
Coding change: c.542G>A on transcript NM_153033.5 (MANE Select); coding-DNA position 542, G replaced by A.
Protein change: p.Arg181Gln; replaces arginine 181 with glutamine.
Molecular consequence: missense variant.
Genome position (GRCh38, 1-based): chr7:66,638,904, G>A. VCF-style: chr7-66638904-G-A. GRCh37 (hg19) VCF-style: chr7-66103891-G-A.
Other names: c.542G>A, p.Arg181Gln (NM_001167961.2); short protein forms R181Q.
Identifiers: ClinVar variation 1437669 (VCV001437669.5), dbSNP rs754654827, ClinGen allele CA4278292.